The following is an entry in ClinVar:

NM_001385012.1(NBEA):c.7037C>G (p.Pro2346Arg)

Gene: NBEA (neurobeachin; plus strand). Cytogenetic location: 13q13.3.
Variant type: single nucleotide variant.
Coding change: c.7037C>G on transcript NM_001385012.1 (MANE Select); coding-DNA position 7037, C replaced by G.
Protein change: p.Pro2346Arg; replaces proline 2346 with arginine.
Molecular consequence: missense variant.
Genome position (GRCh38, 1-based): chr13:35,583,899, C>G. VCF-style: chr13-35583899-C-G. GRCh37 (hg19) VCF-style: chr13-36158036-C-G.
Other names: c.416C>G, p.Pro139Arg (NM_001204197.3); c.7028C>G, p.Pro2343Arg (NM_001379245.1); c.7037C>G, p.Pro2346Arg (NM_015678.5); short protein forms P139R, P2343R, P2346R.
Identifiers: ClinVar variation 3372101 (VCV003372101.1).

ClinVar aggregate classification (germline): Uncertain significance (1 of 4 stars; one submission).

Submission:

GeneDx
Classification: Uncertain significance. Last evaluated: 2024-04-04. Review status: criteria provided, single submitter. Criteria: GeneDx Variant Classification Process June 2021. Collection method: clinical testing. Allele origin: germline. Affected: yes.
Comment: Not observed at significant frequency in large population cohorts (gnomAD); In silico analysis supports that this missense variant has a deleterious effect on protein structure/function; Has not been previously published as pathogenic or benign to our knowledge